The following is an entry in ClinVar:

ClinVar aggregate classification (germline): Uncertain significance (1 of 4 stars; one submission).

Submission:

CeGaT Center for Human Genetics Tuebingen
Classification: Uncertain significance. Last evaluated: 2024-12-01. Review status: criteria provided, single submitter. Criteria: CeGaT Center For Human Genetics Tuebingen Variant Classification Criteria Version 2. Collection method: clinical testing. Allele origin: germline. Affected: yes. Observed: 1 variant allele.
Comment: GRIN2A: PM2, PP2

NM_001134407.3(GRIN2A):c.608T>G (p.Val203Gly)

Gene: GRIN2A (glutamate ionotropic receptor NMDA type subunit 2A; minus strand). Cytogenetic location: 16p13.2.
Variant type: single nucleotide variant.
Coding change: c.608T>G on transcript NM_001134407.3 (MANE Select); coding-DNA position 608, T replaced by G.
Protein change: p.Val203Gly; replaces valine 203 with glycine.
Molecular consequence: missense variant.
Genome position (GRCh38, 1-based): chr16:9,938,358, A>C on the plus strand (T>G on the coding strand, the complement: GRIN2A is on the minus strand). VCF-style: chr16-9938358-A-C. GRCh37 (hg19) VCF-style: chr16-10032215-A-C.
Other names: c.608T>G, p.Val203Gly (NM_000833.5, NM_001134408.2); short protein forms V203G.
Identifiers: ClinVar variation 3772171 (VCV003772171.13).